The following is an entry in ClinVar:

GRCh38/hg38 22q11.21(chr22:18339130-21086225)x1

Genes: AIFM3 (AIF family member 3; plus strand), ARVCF (ARVCF delta catenin family member; minus strand), C22orf39 (chromosome 22 open reading frame 39; minus strand), CCDC188 (coiled-coil domain containing 188; minus strand), CDC45 (cell division cycle 45; plus strand) and 185 more. Cytogenetic location: 22q11.21.
Variant type: copy number loss.
Change: copy number 1 (one copy instead of two) of chr22:18,339,130-21,086,225 (2.75 Mb, GRCh38 coordinates, 1-based), cytogenetic band 22q11.21.
Identifiers: ClinVar variation 160846 (VCV000160846.1).

ClinVar aggregate classification (germline): Pathogenic (1 of 4 stars; one submission).

Submission:

ISCA site 4
Classification: Pathogenic. Last evaluated: 2011-08-12. Review status: criteria provided, single submitter. Criteria: Kaminsky et al. (Genet Med. 2011). Collection method: clinical testing. Allele origin: unknown. Affected: yes. Observed: 1 variant allele.
Comment: Copy number variation identified through the course of routine clinical cytogenomic testing in postnatal populations. Clinical assertions have been curated as described in Kaminsky et al. 2011.